The following continues an entry in ClinVar:

NM_000199.5(SGSH):c.197C>G (p.Ser66Trp)

ClinVar aggregate classification (germline): Pathogenic. Pathogenic (21).

Submissions 14 to 25 of 25:

Undiagnosed Diseases Network, NIH
Classification: Pathogenic for Mucopolysaccharidosis, MPS-III-A. Last evaluated: 2020-04-30. Review status: criteria provided, single submitter. Criteria: ACMG Guidelines, 2015. Collection method: clinical testing. Allele origin: unknown. Inheritance: Autosomal recessive inheritance. Affected: yes. Observed: 1 variant allele, 1 compound heterozygote. Study: Undiagnosed Diseases Network (NIH), UDN.
Comment: This variant has been previously reported as disease-causing PMIDs 10601282, 9554748, 29023963, 21228398, 9158154, 24816101, 15542396, 10521831, 25807448.

Genetics and Molecular Pathology, SA Pathology
Classification: Pathogenic for Mucopolysaccharidosis, MPS-III-A. Last evaluated: 2020-03-27. Review status: criteria provided, single submitter. Criteria: ACMG Guidelines, 2015. Collection method: clinical testing. Allele origin: germline. Affected: yes.
Comment: PS3, PS4, PP3

Myriad Genetics, Inc.
Classification: Pathogenic for Mucopolysaccharidosis, MPS-III-A. Last evaluated: 2019-12-24. Review status: criteria provided, single submitter. Criteria: Myriad Women's Health Autosomal Recessive and X-Linked Classification Criteria (2019). Collection method: clinical testing. Allele origin: unknown.
Comment: NM_000199.3(SGSH):c.197C>G(S66W) is classified as pathogenic in the context of mucopolysaccharidosis type IIIA. Sources cited for classification include the following: PMID 10601282, 15542396, 9158154, 11182930 and 9554748. Classification of NM_000199.3(SGSH):c.197C>G(S66W) is based on the following criteria: This is a well-established pathogenic variant in the literature that has been observed more frequently in patients with clinical diagnoses than in healthy populations. Please note: this variant was assessed in the context of healthy population screening.

Knight Diagnostic Laboratories, Oregon Health and Sciences University
Classification: Pathogenic for Mucopolysaccharidosis, type iiia. Last evaluated: 2019-11-18. Review status: criteria provided, single submitter. Criteria: ACMG Guidelines, 2015. Collection method: clinical testing. Allele origin: germline. Observed: 1 variant allele.

Laboratory of Diagnosis and Therapy of Lysosomal Disorders, University of Padova
Classification: Pathogenic for Mucopolysaccharidosis, MPS-III-A. Last evaluated: 2019-01-01. Review status: criteria provided, single submitter. Criteria: ACMG Guidelines, 2015. Collection method: literature only. Allele origin: germline. Affected: yes.
Comment: PS3: Low in vitro enzymatic activity. PP1: Cosegregation with disease in multiple affected family members (strong evidence). PM2: Very low frequency in GnomAD. PP5: reputable source report variant as pathogenic.

Women's Health and Genetics/Laboratory Corporation of America, LabCorp
Classification: Pathogenic for Sanfilippo syndrome. Last evaluated: 2017-08-02. Review status: criteria provided, single submitter. Criteria: LabCorp Variant Classification Summary - May 2015. Collection method: clinical testing. Allele origin: germline.
Comment: Variant summary: The SGSH c.197C>G (p.Ser66Trp) variant involves the alteration of a conserved nucleotide located in the Alkaline-phosphatase-like domain of the protein (InterPro). 4/4 in silico tools predict a damaging outcome for this variant (SNPsandGO not captured due to low reliability index). This variant was found in 23/251298 control chromosomes at a frequency of 0.0000915, which does not exceed the estimated maximal expected allele frequency of a pathogenic SGSH variant (0.0032275). This variant has been reported in numerous patients both homozygously and compound heterozygously. Functional study showed variant with 10% of WT enzyme activity (Montfort_MGM_2004) In addition, multiple clinical diagnostic laboratories/reputable databases classified this variant as pathogenic. Taken together, this variant is classified as pathogenic.

Clinical Genetics DNA and cytogenetics Diagnostics Lab, Erasmus MC, Erasmus Medical Center
Classification: Pathogenic for Mucopolysaccharidosis, MPS-III-A. Last evaluated: 2015-09-21. Review status: criteria provided, single submitter. Criteria: ACGS Guidelines, 2013. Collection method: clinical testing. Allele origin: germline. Affected: yes. Study: VKGL Data-share Consensus.

Eurofins Ntd Llc (ga)
Classification: Pathogenic. Last evaluated: 2014-09-23. Review status: criteria provided, single submitter. Criteria: EGL Classification Definitions 2015. Collection method: clinical testing. Allele origin: germline. Observed: 8 variant alleles, 8 heterozygotes.

PreventionGenetics, part of Exact Sciences
Classification: Pathogenic for SGSH-related condition. Last evaluated: 2023-12-12. Review status: no assertion criteria provided. Collection method: clinical testing. Allele origin: germline. Not counted in ClinVar's aggregate classification.
Comment: The SGSH c.197C>G variant is predicted to result in the amino acid substitution p.Ser66Trp. This variant was reported in multiple individuals mucopolysaccharidosis type IIIA (Sanfilippo A) (Blanch. 1997. PubMed ID: 9158154; Knottnerus. 2017. PubMed ID: 29023963; Barone. 2021. PubMed ID: 34349725; Table S4, Barbosa-Gouveia. 2021. PubMed ID: 34440436). Functional in vitro studies found this variant has reduced expression and residual activity (Perkins. 1999. PubMed ID: 10601282). This variant is reported in 0.020% of alleles in individuals of European (Non-Finnish) descent in gnomAD. This variant is interpreted as pathogenic.

OMIM
Classification: Pathogenic for MUCOPOLYSACCHARIDOSIS, TYPE IIIA. Last evaluated: 1999-10-01. Review status: no assertion criteria provided. Collection method: literature only. Allele origin: germline. Not counted in ClinVar's aggregate classification.

Diagnostic Laboratory, Department of Genetics, University Medical Center Groningen
Classification: Pathogenic for Mucopolysaccharidosis, MPS-III-A. Review status: no assertion criteria provided. Collection method: clinical testing. Allele origin: germline. Affected: yes. Study: VKGL Data-share Consensus. Not counted in ClinVar's aggregate classification.

GeneReviews
No classification provided. Condition: Mucopolysaccharidosis. Review status: no classification provided. Collection method: literature only. Allele origin: germline. Not counted in ClinVar's aggregate classification.

Literature cited by the submitters: PubMed 21061399 (cited by 4 submitters); PubMed 9158154 (cited by 7 submitters); PubMed 9285796 (cited by Labcorp Genetics (formerly Invitae), Labcorp and Pittsburgh Clinical Genomics Laboratory, University of Pittsburgh Medical Center); PubMed 9554748 (cited by 6 submitters); PubMed 15542396 (cited by 4 submitters); PubMed 22976768 (cited by Labcorp Genetics (formerly Invitae), Labcorp); PubMed 10601282 (cited by 5 submitters); PubMed 21910976 (cited by Ambry Genetics); PubMed 24314109 (cited by Ambry Genetics); PubMed 26787381 (cited by Ambry Genetics); PubMed 29023963 (cited by Ambry Genetics); PubMed 30809705 (cited by Ambry Genetics and Laboratory of Diagnosis and Therapy of Lysosomal Disorders, University of Padova); PubMed 11182930 (cited by Myriad Genetics, Inc.); PubMed 9744479 (cited by OMIM); PubMed 10521831 (cited by OMIM); PubMed 31536183 (cited by GeneReviews).